The following is an entry in ClinVar:

ClinVar aggregate classification (germline): Uncertain significance (1 of 4 stars; one submission).

Conditions:
Myopathy, proximal, and ophthalmoplegia (CMYO6). Also called: MYOPATHY WITH CONGENITAL JOINT CONTRACTURES, OPHTHALMOPLEGIA, AND RIMMED VACUOLES; INCLUSION BODY MYOPATHY 3, AUTOSOMAL DOMINANT; CONGENITAL MYOPATHY 6 WITH OPHTHALMOPLEGIA. Identifiers: Orphanet 363677, Orphanet 79091, MedGen C1854106, MONDO:0011577, OMIM 605637.

Allele frequency attached by ClinVar (database versions not stated): gnomAD exomes below 0.00001 and 0.00001; gnomAD 0.00001; TOPMed 0.00002.
gnomAD v4.1: 15 of 1,612,836 alleles (0.00093%); highest among the groups gnomAD compares: Non-Finnish European, 0.0013%; no homozygotes.

Submission:

Labcorp Genetics (formerly Invitae), Labcorp
Classification: Uncertain significance for Myopathy, proximal, and ophthalmoplegia. Last evaluated: 2023-06-17. Review status: criteria provided, single submitter. Criteria: Invitae Variant Classification Sherloc (09022015). Collection method: clinical testing. Allele origin: germline.
Comment: In summary, the available evidence is currently insufficient to determine the role of this variant in disease. Therefore, it has been classified as a Variant of Uncertain Significance. Advanced modeling of protein sequence and biophysical properties (such as structural, functional, and spatial information, amino acid conservation, physicochemical variation, residue mobility, and thermodynamic stability) performed at Invitae indicates that this missense variant is not expected to disrupt MYH2 protein function. ClinVar contains an entry for this variant (Variation ID: 579519). This variant has not been reported in the literature in individuals affected with MYH2-related conditions. This variant is present in population databases (no rsID available, gnomAD 0.0009%). This sequence change replaces glutamine, which is neutral and polar, with arginine, which is basic and polar, at codon 329 of the MYH2 protein (p.Gln329Arg).

NM_017534.6(MYH2):c.986A>G (p.Gln329Arg)

Genes: MYH2 (myosin heavy chain 2; minus strand), MYHAS (myosin heavy chain gene cluster antisense RNA; plus strand). Cytogenetic location: 17p13.1.
Variant type: single nucleotide variant.
Coding change: c.986A>G on transcript NM_017534.6 (MANE Select); coding-DNA position 986, A replaced by G.
Protein change: p.Gln329Arg; replaces glutamine 329 with arginine.
Molecular consequence: missense variant.
Genome position (GRCh38, 1-based): chr17:10,540,616, T>C on the plus strand (A>G on the coding strand, the complement: MYH2 is on the minus strand). VCF-style: chr17-10540616-T-C. GRCh37 (hg19) VCF-style: chr17-10443933-T-C.
Other names: c.986A>G, p.Gln329Arg (NM_001100112.2); short protein forms Q329R.
Identifiers: ClinVar variation 579519 (VCV000579519.8), dbSNP rs1023760701, ClinGen allele CA287745914.